The following is an entry in ClinVar:

ClinVar aggregate classification (germline): Uncertain significance. Review status: criteria provided, multiple submitters, no conflicts (2 of 4 stars). 4 submissions from 4 submitters: Uncertain significance (4). Last evaluated 2023-02-27.

Conditions:
Charcot-Marie-Tooth disease type 4B3. Also called: CHARCOT-MARIE-TOOTH DISEASE, DEMYELINATING, TYPE 4B3; Charcot-Marie-Tooth Neuropathy Type 4B3. Identifiers: Orphanet 363981, MedGen C3695063, MONDO:0014117, OMIM 615284.

Allele frequency attached by ClinVar (database versions not stated): gnomAD exomes 0.00003 and 0.00011; TOPMed 0.00003; gnomAD 0.00004 and 0.00005; ESP Exome Variant Server 0.00008; ExAC 0.00010.
gnomAD v4.1: 52 of 1,611,164 alleles (0.0032%); highest among the groups gnomAD compares: East Asian, 0.058%; no homozygotes.

Submissions (4):

Ambry Genetics
Classification: Uncertain significance. Last evaluated: 2023-02-27. Review status: criteria provided, single submitter. Criteria: Ambry Variant Classification Scheme 2023. Collection method: clinical testing. Allele origin: germline.

Labcorp Genetics (formerly Invitae), Labcorp
Classification: Uncertain significance. Last evaluated: 2022-09-27. Review status: criteria provided, single submitter. Criteria: Invitae Variant Classification Sherloc (09022015). Collection method: clinical testing. Allele origin: germline.
Comment: This sequence change replaces serine, which is neutral and polar, with leucine, which is neutral and non-polar, at codon 1096 of the SBF1 protein (p.Ser1096Leu). This variant is present in population databases (rs200085962, gnomAD 0.1%). This variant has not been reported in the literature in individuals affected with SBF1-related conditions. ClinVar contains an entry for this variant (Variation ID: 1315194). Algorithms developed to predict the effect of missense changes on protein structure and function output the following: SIFT: "Tolerated"; PolyPhen-2: "Probably Damaging"; Align-GVGD: "Class C0". The leucine amino acid residue is found in multiple mammalian species, which suggests that this missense change does not adversely affect protein function. In summary, the available evidence is currently insufficient to determine the role of this variant in disease. Therefore, it has been classified as a Variant of Uncertain Significance.

Fulgent Genetics
Classification: Uncertain significance for Charcot-Marie-Tooth disease type 4B3. Last evaluated: 2021-08-31. Review status: criteria provided, single submitter. Criteria: ACMG Guidelines, 2015. Collection method: clinical testing. Allele origin: unknown.

GeneDx
Classification: Uncertain significance. Last evaluated: 2020-02-19. Review status: criteria provided, single submitter. Criteria: GeneDx Variant Classification Process June 2021. Collection method: clinical testing. Allele origin: germline. Affected: yes.
Comment: In silico analysis supports that this missense variant has a deleterious effect on protein structure/function; Has not been previously published as pathogenic or benign to our knowledge

NM_002972.4(SBF1):c.3287C>T (p.Ser1096Leu)

Gene: SBF1 (SET binding factor 1; minus strand). Cytogenetic location: 22q13.33.
Variant type: single nucleotide variant.
Coding change: c.3287C>T on transcript NM_002972.4 (MANE Select); coding-DNA position 3287, C replaced by T.
Protein change: p.Ser1096Leu; replaces serine 1096 with leucine.
Molecular consequence: missense variant.
Genome position (GRCh38, 1-based): chr22:50,460,156, G>A on the plus strand (C>T on the coding strand, the complement: SBF1 is on the minus strand). VCF-style: chr22-50460156-G-A. GRCh37 (hg19) VCF-style: chr22-50898585-G-A.
Other names: c.3290C>T, p.Ser1097Leu (NM_001365819.1); short protein forms S1096L, S1097L.
Identifiers: ClinVar variation 1315194 (VCV001315194.7), dbSNP rs200085962, ClinGen allele CA10316768.